The following is an entry in ClinVar:

NM_022168.4(IFIH1):c.1099C>G (p.Leu367Val)

Gene: IFIH1 (interferon induced with helicase C domain 1; minus strand). Cytogenetic location: 2q24.2.
Variant type: single nucleotide variant.
Coding change: c.1099C>G on transcript NM_022168.4 (MANE Select); coding-DNA position 1099, C replaced by G.
Protein change: p.Leu367Val; replaces leucine 367 with valine.
Molecular consequence: missense variant.
Genome position (GRCh38, 1-based): chr2:162,282,573, G>C on the plus strand (C>G on the coding strand, the complement: IFIH1 is on the minus strand). VCF-style: chr2-162282573-G-C. GRCh37 (hg19) VCF-style: chr2-163139083-G-C.
Other names: short protein forms L367V.
Identifiers: ClinVar variation 2948993 (VCV002948993.3), dbSNP rs898579910, ClinGen allele CA349003249.

ClinVar aggregate classification (germline): Uncertain significance (1 of 4 stars; one submission).

Conditions:
Aicardi-Goutieres syndrome 7 (AGS7). Identifiers: Orphanet 51, MedGen C3888244, MONDO:0014367, OMIM 615846.
Singleton-Merten syndrome 1 (SGMRT1). Also called: Widened medullary cavities of bone, aortic calcification, abnormal dentition, and muscular weakness; Syndrome of widened medullary cavities of the metacarpals and phalanges, aortic calcification and abnormal dentition. Identifiers: Orphanet 85191, MedGen C4225427, MONDO:0024535, OMIM 182250.

Submission:

Labcorp Genetics (formerly Invitae), Labcorp
Classification: Uncertain significance for Aicardi-Goutieres syndrome 7; Singleton-Merten syndrome 1. Last evaluated: 2023-06-18. Review status: criteria provided, single submitter. Criteria: Invitae Variant Classification Sherloc (09022015). Collection method: clinical testing. Allele origin: germline.
Comment: This sequence change replaces leucine, which is neutral and non-polar, with valine, which is neutral and non-polar, at codon 367 of the IFIH1 protein (p.Leu367Val). In summary, the available evidence is currently insufficient to determine the role of this variant in disease. Therefore, it has been classified as a Variant of Uncertain Significance. Algorithms developed to predict the effect of sequence changes on RNA splicing suggest that this variant may create or strengthen a splice site. Advanced modeling of protein sequence and biophysical properties (such as structural, functional, and spatial information, amino acid conservation, physicochemical variation, residue mobility, and thermodynamic stability) has been performed at Invitae for this missense variant, however the output from this modeling did not meet the statistical confidence thresholds required to predict the impact of this variant on IFIH1 protein function. This variant has not been reported in the literature in individuals affected with IFIH1-related conditions. This variant is not present in population databases (gnomAD no frequency).